The following is an entry in ClinVar:

NM_001379110.1(SLC9A6):c.1650C>T (p.Asn550=)

Gene: SLC9A6 (solute carrier family 9 member A6; plus strand). Cytogenetic location: Xq26.3.
Variant type: single nucleotide variant.
Coding change: c.1650C>T on transcript NM_001379110.1 (MANE Select); coding-DNA position 1650, C replaced by T.
Protein change: p.Asn550=; no amino-acid change (asparagine 550 retained).
Molecular consequence: synonymous variant.
Genome position (GRCh38, 1-based): chrX:136,033,482, C>T. VCF-style: chrX-136033482-C-T. GRCh37 (hg19) VCF-style: chrX-135115641-C-T.
Other names: c.1716C>T, p.Asn572= (NM_001042537.2); c.1560C>T, p.Asn520= (NM_001177651.2, NM_001400909.1, NM_001400910.1 and 2 more transcripts); c.1464C>T, p.Asn488= (NM_001330652.2, NM_001400913.1); c.1806C>T, p.Asn602= (NM_001438742.1); c.1620C>T, p.Asn540= (NM_006359.3).
Identifiers: ClinVar variation 4293325 (VCV004293325.1).

ClinVar aggregate classification (germline): Uncertain significance (1 of 4 stars; one submission).

Conditions:
Christianson syndrome (MRXSCH). Also called: SLC9A6-Related Syndromic Mental Retardation; INTELLECTUAL DEVELOPMENTAL DISORDER, X-LINKED, SYNDROMIC, CHRISTIANSON TYPE; X-linked mental retardation, syndromic, Christianson type. Identifiers: Orphanet 85278, MedGen C2678194, MONDO:0010278, OMIM 300243.

Submission:

3billion
Classification: Uncertain significance for Christianson syndrome. Last evaluated: 2024-11-07. Review status: criteria provided, single submitter. Criteria: ACMG Guidelines, 2015. Collection method: clinical testing. Allele origin: germline. Affected: yes.
Comment: The variant is not observed in the gnomAD v4.1.0 dataset. Predicted Consequence/Location: Synonymous variant In silico tools predict the variant to alter splicing and produce an abnormal transcript [SpliceAI: 0.34 (>=0.2, moderate evidence for spliceogenicity)]. Therefore, this variant is classified as VUS according to the recommendation of ACMG/AMP guideline.